The following is an entry in ClinVar:

ClinVar aggregate classification (germline): Uncertain significance (0 of 4 stars; one submission).

Conditions:
TRPM4-related disorder. Also called: TRPM4-related condition; TRPM4-related disorders. Identifiers: MedGen CN239424.

gnomAD v4.1: 11 of 1,562,064 alleles (0.0007%); highest among the groups gnomAD compares: African/African-American, 0.0014%; no homozygotes.

Submission:

PreventionGenetics, part of Exact Sciences
Classification: Uncertain significance for TRPM4-related condition. Last evaluated: 2023-12-26. Review status: no assertion criteria provided. Collection method: clinical testing. Allele origin: germline.
Comment: The TRPM4 c.2542G>A variant is predicted to result in the amino acid substitution p.Gly848Ser. To our knowledge, this variant has not been reported in the literature or in a large population database, indicating this variant is rare. At this time, the clinical significance of this variant is uncertain due to the absence of conclusive functional and genetic evidence.

NM_017636.4(TRPM4):c.2542G>A (p.Gly848Ser)

Gene: TRPM4 (transient receptor potential cation channel subfamily M member 4; plus strand). Cytogenetic location: 19q13.33.
Variant type: single nucleotide variant.
Coding change: c.2542G>A on transcript NM_017636.4 (MANE Select); coding-DNA position 2542, G replaced by A.
Protein change: p.Gly848Ser; replaces glycine 848 with serine.
Molecular consequence: missense variant. On other transcripts: intron variant (1).
Genome position (GRCh38, 1-based): chr19:49,196,771, G>A. VCF-style: chr19-49196771-G-A. GRCh37 (hg19) VCF-style: chr19-49700028-G-A.
Other names: c.2197G>A, p.Gly733Ser (NM_001321281.2); c.934G>A, p.Gly312Ser (NM_001321282.2); c.2020G>A, p.Gly674Ser (NM_001321283.2); c.1480G>A, p.Gly494Ser (NM_001321285.2); c.2211-3529G>A (NM_001195227.2); short protein forms G312S, G494S, G674S, G733S, G848S.
Identifiers: ClinVar variation 3034097 (VCV003034097.2), dbSNP rs747373091, ClinGen allele CA406809433.